The following is an entry in ClinVar:

ClinVar aggregate classification (germline): Likely pathogenic (1 of 4 stars; one submission).

Conditions:
Gorlin syndrome. Also called: Nevoid Basal Cell Carcinoma Syndrome; Basal cell nevus syndrome. Identifiers: Orphanet 377, MedGen C0004779, MONDO:0007187.

Submission:

Labcorp Genetics (formerly Invitae), Labcorp
Classification: Likely pathogenic for Gorlin syndrome. Last evaluated: 2024-09-03. Review status: criteria provided, single submitter. Criteria: Invitae Variant Classification Sherloc (09022015). Collection method: clinical testing. Allele origin: germline.
Comment: This sequence change affects an acceptor splice site in intron 12 of the PTCH1 gene. It is expected to disrupt RNA splicing. Variants that disrupt the donor or acceptor splice site typically lead to a loss of protein function (PMID: 16199547), and loss-of-function variants in PTCH1 are known to be pathogenic (PMID: 16301862, 16419085). This variant is not present in population databases (gnomAD no frequency). Disruption of this splice site has been observed in individual(s) with clinical features of basal cell nevus syndrome and/or medulloblastoma (PMID: 29489754; internal data). Algorithms developed to predict the effect of sequence changes on RNA splicing suggest that this variant may disrupt the consensus splice site. In summary, the currently available evidence indicates that the variant is pathogenic, but additional data are needed to prove that conclusively. Therefore, this variant has been classified as Likely Pathogenic.

Literature cited by the submitters: PubMed 16199547; PubMed 16301862; PubMed 16419085; PubMed 29489754.

NM_000264.5(PTCH1):c.1729-2A>G

Genes: PTCH1 (patched 1; minus strand), LOC100507346 (uncharacterized LOC100507346; plus strand). Cytogenetic location: 9q22.32.
Variant type: single nucleotide variant.
Coding change: c.1729-2A>G on transcript NM_000264.5 (MANE Select); the canonical splice acceptor site of the intron before coding-DNA position 1729, A replaced by G.
Molecular consequence: splice acceptor variant. On other transcripts: non-coding transcript variant (1).
Genome position (GRCh38, 1-based): chr9:95,469,933, T>C on the plus strand (A>G on the coding strand, the complement: PTCH1 is on the minus strand). VCF-style: chr9-95469933-T-C. GRCh37 (hg19) VCF-style: chr9-98232215-T-C.
Other names: c.1726-2A>G (NM_001083603.3); c.1531-2A>G (NM_001083602.3); c.1573-2A>G (NM_001354918.2); c.1276-2A>G (NM_001083605.3, NM_001083604.3, NM_001083606.3 and 1 more transcripts).
Identifiers: ClinVar variation 3704403 (VCV003704403.2).
Genomic context (GRCh38, chr9:95,469,933, plus strand): 5'-AGAATTGCAGGAAAAATGAGCAGAACCATGGCAAAATTGAACACCACTACTACCGCTGCC[T>C]GGGAGCAGAAAAAAAATTCAGAGGTCACCAACATGCCTCCGCCCAATCAGAGGACTGCTT-3'